The following is an entry in ClinVar:

NM_032043.3(BRIP1):c.3476C>T (p.Ala1159Val)

Gene: BRIP1 (BRCA1 interacting DNA helicase 1; minus strand). Cytogenetic location: 17q23.2.
Variant type: single nucleotide variant.
Coding change: c.3476C>T on transcript NM_032043.3 (MANE Select); coding-DNA position 3476, C replaced by T.
Protein change: p.Ala1159Val; replaces alanine 1159 with valine.
Molecular consequence: missense variant.
Genome position (GRCh38, 1-based): chr17:61,683,570, G>A on the plus strand (C>T on the coding strand, the complement: BRIP1 is on the minus strand). VCF-style: chr17-61683570-G-A. GRCh37 (hg19) VCF-style: chr17-59760931-G-A.
Other names: short protein forms A1159V.
Identifiers: ClinVar variation 3759034 (VCV003759034.1).
Genomic context (GRCh38, chr17:61,683,570, plus strand): 5'-ACTTCTTTTATAGTTCTAATTTCAAAAAGGTCTTTAGCTAAAATGCAATCTGAATTGTTA[G>A]CCAATCTATTTCCTCTATCAGTTTCAGCTAGGTCATTTTTTTCTTCATCTGTATCTTCAG-3'
Protein context (NP_114432.2, residues 1149-1169): LAETDRGNRL[Ala1159Val]NNSDCILAKD

ClinVar aggregate classification (germline): Uncertain significance (1 of 4 stars; one submission).

Conditions:
Fanconi anemia complementation group J. Also called: BRIP1-Related Fanconi Anemia. Identifiers: Orphanet 84, MedGen C1836860, MONDO:0012187, OMIM 609054.
Familial cancer of breast. Also called: BREAST CANCER, FAMILIAL; Hereditary breast cancer; hereditary breast carcinoma. Identifiers: Orphanet 227535, MedGen C0346153, MONDO:0016419, OMIM 114480. Disease mechanism: loss of function.

Submission:

Labcorp Genetics (formerly Invitae), Labcorp
Classification: Uncertain significance for Familial cancer of breast; Fanconi anemia complementation group J. Last evaluated: 2024-11-04. Review status: criteria provided, single submitter. Criteria: Invitae Variant Classification Sherloc (09022015). Collection method: clinical testing. Allele origin: germline.
Comment: This sequence change replaces alanine, which is neutral and non-polar, with valine, which is neutral and non-polar, at codon 1159 of the BRIP1 protein (p.Ala1159Val). This variant is not present in population databases (gnomAD no frequency). This variant has not been reported in the literature in individuals affected with BRIP1-related conditions. Invitae Evidence Modeling of protein sequence and biophysical properties (such as structural, functional, and spatial information, amino acid conservation, physicochemical variation, residue mobility, and thermodynamic stability) indicates that this missense variant is not expected to disrupt BRIP1 protein function with a negative predictive value of 95%. In summary, the available evidence is currently insufficient to determine the role of this variant in disease. Therefore, it has been classified as a Variant of Uncertain Significance.